The following is an entry in ClinVar:

NM_015221.4(DNMBP):c.*10G>C

Gene: DNMBP (dynamin binding protein; minus strand). Cytogenetic location: 10q24.2.
Variant type: single nucleotide variant.
Coding change: c.*10G>C on transcript NM_015221.4 (MANE Select); 10 bases downstream of the stop codon, G replaced by C.
Molecular consequence: 3 prime UTR variant.
Genome position (GRCh38, 1-based): chr10:99,877,141, C>G on the plus strand (G>C on the coding strand, the complement: DNMBP is on the minus strand). VCF-style: chr10-99877141-C-G. GRCh37 (hg19) VCF-style: chr10-101636898-C-G.
Other names: c.*10G>C (NM_001318326.2, NM_001318327.2).
Identifiers: ClinVar variation 3038451 (VCV003038451.2), dbSNP rs2256287, ClinGen allele CA5644215.

ClinVar aggregate classification (germline): Benign (0 of 4 stars; one submission).

Conditions:
DNMBP-related disorder. Also called: DNMBP-related condition.

Allele frequency attached by ClinVar (database versions not stated): gnomAD exomes 0.00111; ExAC 0.00357; ESP Exome Variant Server 0.01015; gnomAD 0.01028; TOPMed 0.01133; 1000 Genomes Project 0.01138; 1000 Genomes Project 30x 0.01202.
gnomAD v4.1: 3,215 of 1,597,454 alleles (0.2%); highest among the groups gnomAD compares: African/African-American, 3.6%; 57 homozygotes.

Submission:

PreventionGenetics, part of Exact Sciences
Classification: Benign for DNMBP-related condition. Last evaluated: 2019-02-18. Review status: no assertion criteria provided. Collection method: clinical testing. Allele origin: germline.
Comment: This variant is classified as benign based on ACMG/AMP sequence variant interpretation guidelines (Richards et al. 2015 PMID: 25741868, with internal and published modifications).